The following is an entry in ClinVar:

NM_001165963.4(SCN1A):c.1264G>A (p.Val422Met)

Gene: SCN1A (sodium voltage-gated channel alpha subunit 1; minus strand). Cytogenetic location: 2q24.3.
Variant type: single nucleotide variant.
Coding change: c.1264G>A on transcript NM_001165963.4 (MANE Select); coding-DNA position 1264, G replaced by A.
Protein change: p.Val422Met; replaces valine 422 with methionine.
Molecular consequence: missense variant. On other transcripts: 5 prime UTR variant (1), non-coding transcript variant (1).
Genome position (GRCh38, 1-based): chr2:166,046,883, C>T on the plus strand (G>A on the coding strand, the complement: SCN1A is on the minus strand). VCF-style: chr2-166046883-C-T. GRCh37 (hg19) VCF-style: chr2-166903393-C-T.
Other names: c.1264G>A, p.Val422Met (NM_001165964.3, NM_001202435.3, NM_001353948.2 and 10 more transcripts); c.-1162G>A (NM_001353961.2); c.1264G>A (NM_001202435.1); short protein forms V422M.
Identifiers: ClinVar variation 282973 (VCV000282973.13), dbSNP rs886042528, ClinGen allele CA10604358.

ClinVar aggregate classification (germline): Pathogenic/Likely pathogenic. Review status: criteria provided, multiple submitters, no conflicts (2 of 4 stars). 5 submissions from 5 submitters: Pathogenic (2); Likely pathogenic (2). 1 of the submissions does not count toward it. Last evaluated 2024-10-27.

Conditions:
SCN1A-related disorder. Also called: SCN1A-related disorders; SCN1A-related conditions; SCN1A-related condition.
Early-infantile DEE. Also called: Ohtahara syndrome; Early infantile epileptic encephalopathy; Early infantile epileptic encephalopathy with suppression bursts. Identifiers: Orphanet 1934, MedGen C0393706, MONDO:0800491.
Severe myoclonic epilepsy in infancy (DRVT). Also called: DEVELOPMENTAL AND EPILEPTIC ENCEPHALOPATHY 6A; Dravet syndrome; Epileptic encephalopathy, early infantile, 6 (Dravet syndrome); Severe Myoclonic Epilepsy in Infancy (SMEI); SEVERE MYOCLONIC EPILEPSY OF INFANCY. Identifiers: Orphanet 33069, MedGen C0751122, MONDO:0100135, OMIM 607208.

Submissions (5):

Labcorp Genetics (formerly Invitae), Labcorp
Classification: Pathogenic for Early-infantile DEE. Last evaluated: 2024-10-27. Review status: criteria provided, single submitter. Criteria: Invitae Variant Classification Sherloc (09022015). Collection method: clinical testing. Allele origin: germline.
Comment: This sequence change replaces valine, which is neutral and non-polar, with methionine, which is neutral and non-polar, at codon 422 of the SCN1A protein (p.Val422Met). This variant is not present in population databases (gnomAD no frequency). This missense change has been observed in individual(s) with Dravet syndrome (PMID: 22848613, 29056246). In at least one individual the variant was observed to be de novo. ClinVar contains an entry for this variant (Variation ID: 282973). Invitae Evidence Modeling of protein sequence and biophysical properties (such as structural, functional, and spatial information, amino acid conservation, physicochemical variation, residue mobility, and thermodynamic stability) indicates that this missense variant is expected to disrupt SCN1A protein function with a positive predictive value of 95%. For these reasons, this variant has been classified as Pathogenic.

GeneDx
Classification: Pathogenic. Last evaluated: 2020-02-03. Review status: criteria provided, single submitter. Criteria: GeneDx Variant Classification Process June 2021. Collection method: clinical testing. Allele origin: germline. Affected: yes.
Comment: In silico analysis, which includes protein predictors and evolutionary conservation, supports a deleterious effect; This substitution is predicted to be in the cytoplasmic loop between first and second homologous domains; Not observed in large population cohorts (Lek et al., 2016); Missense variants in this gene are often considered pathogenic (Stenson et al., 2014); This variant is associated with the following publications: (PMID: 31864146, 29056246, 22848613, 25326635, 24776920, 17347258, 23891399)

Eurofins Ntd Llc (ga)
Classification: Likely pathogenic. Last evaluated: 2015-09-09. Review status: criteria provided, single submitter. Criteria: EGL Classification Definitions 2015. Collection method: clinical testing. Allele origin: germline. Observed: 1 variant allele, 1 heterozygote.

Baylor Genetics
Classification: Likely pathogenic for Severe myoclonic epilepsy in infancy. Review status: criteria provided, single submitter. Criteria: ACMG Guidelines, 2015. Collection method: clinical testing. Allele origin: unknown.

PreventionGenetics, part of Exact Sciences
Classification: Likely pathogenic for SCN1A-related condition. Last evaluated: 2023-12-15. Review status: no assertion criteria provided. Collection method: clinical testing. Allele origin: germline. Not counted in ClinVar's aggregate classification.
Comment: The SCN1A c.1264G>A variant is predicted to result in the amino acid substitution p.Val422Met. This variant has been reported in two individuals with infantile epilepsy or Dravet syndrome (Kwong et al. 2012. PubMed ID: 22848613; Butler et al. 2017. PubMed ID: 29056246), and in Kwong et al. the variant was determined to be de novo. This variant has not been reported in a large population database, indicating it is rare. This variant resides on the cytoplasmic side of the S6 segment in a region where disease-associated variants are common (affected residues include 418, 419, 420, 421, and 422; see, HGMD). A gene-specific machine learning-based model for clinical prediction indicates this variant is pathogenic with 93% likelihood (Heyne et al. 2020. PubMed ID 32801145). This variant is interpreted as likely pathogenic.

Literature cited by the submitters: PubMed 22848613 (cited by Labcorp Genetics (formerly Invitae), Labcorp and Eurofins Ntd Llc (ga)); PubMed 29056246 (cited by Labcorp Genetics (formerly Invitae), Labcorp); PubMed 17347258 (cited by Eurofins Ntd Llc (ga)); PubMed 24776920 (cited by Eurofins Ntd Llc (ga)); PubMed 25326635 (cited by Baylor Genetics).